The following is an entry in ClinVar:

NM_001040716.2(PC):c.422C>G (p.Pro141Arg)

Gene: PC (pyruvate carboxylase; minus strand). Cytogenetic location: 11q13.2.
Variant type: single nucleotide variant.
Coding change: c.422C>G on transcript NM_001040716.2 (MANE Select); coding-DNA position 422, C replaced by G.
Protein change: p.Pro141Arg; replaces proline 141 with arginine.
Molecular consequence: missense variant.
Genome position (GRCh38, 1-based): chr11:66,871,380, G>C on the plus strand (C>G on the coding strand, the complement: PC is on the minus strand). VCF-style: chr11-66871380-G-C. GRCh37 (hg19) VCF-style: chr11-66638851-G-C.
Other names: c.422C>G, p.Pro141Arg (NM_000920.4, NM_001439352.1, NM_001439353.1 and 5 more transcripts); short protein forms P141R.
Identifiers: ClinVar variation 4855155 (VCV004855155.1).

ClinVar aggregate classification (germline): Uncertain significance (1 of 4 stars; one submission).

Conditions:
Pyruvate carboxylase deficiency. Also called: Pyruvate Carboxylase Deficiency Disease; LEIGH NECROTIZING ENCEPHALOPATHY DUE TO PYRUVATE CARBOXYLASE DEFICIENCY; LEIGH SYNDROME DUE TO PYRUVATE CARBOXYLASE DEFICIENCY; PC DEFICIENCY; ATAXIA WITH LACTIC ACIDOSIS II. Identifiers: Orphanet 3008, MedGen C0034341, MONDO:0009949, OMIM 266150.

Submission:

3billion
Classification: Uncertain significance for Pyruvate carboxylase deficiency. Last evaluated: 2025-07-24. Review status: criteria provided, single submitter. Criteria: ACMG Guidelines, 2015. Collection method: clinical testing. Allele origin: germline. Affected: yes.
Comment: The variant is not observed in the gnomAD v4.1.0 dataset. Predicted Consequence/Location: Missense variant. The majority of the known disease-causing variants of this gene are variants expected to result in premature termination of the protein. In silico tool predictions suggest damaging effect of the variant on gene or gene product [REVEL: 0.96 (>=0.6, sensitivity 0.68 and specificity 0.92); 3Cnet: 0.95 (> 0.75, sensitivity 0.96 and precision 0.92)]. Therefore, this variant is classified as VUS according to the recommendation of ACMG/AMP guideline.